The following is an entry in ClinVar:

ClinVar aggregate classification (germline): Uncertain significance (0 of 4 stars; one submission).

Conditions:
Prostate cancer. Also called: Malignant tumor of prostate. Identifiers: Orphanet 1331, MedGen C0376358, MONDO:0008315, HP:0012125.

Submission:

Science for Life laboratory,  Karolinska Institutet
Classification: Uncertain significance for Malignant tumor of prostate. Review status: no assertion criteria provided. Collection method: not provided. Allele origin: somatic.
Comment: TumorID:SWE-91A
ClinVar note: Converted during submission from Unknown to Uncertain significance.

NM_001347886.2(DNAH3):c.6130C>A (p.His2044Asn)

Gene: DNAH3 (dynein axonemal heavy chain 3; minus strand). Cytogenetic location: 16p12.3.
Variant type: single nucleotide variant.
Coding change: c.6130C>A on transcript NM_001347886.2 (MANE Select); coding-DNA position 6130, C replaced by A.
Protein change: p.His2044Asn; replaces histidine 2044 with asparagine.
Molecular consequence: missense variant.
Genome position (GRCh38, 1-based): chr16:21,000,377, G>T on the plus strand (C>A on the coding strand, the complement: DNAH3 is on the minus strand). VCF-style: chr16-21000377-G-T. GRCh37 (hg19) VCF-style: chr16-21011699-G-T.
Other names: c.6268C>A, p.His2090Asn (NM_017539.2); short protein forms H2090N, H2044N.
Identifiers: ClinVar variation 161706 (VCV000161706.2), dbSNP rs193921090, ClinGen allele CA174633.
Genomic context (GRCh38, chr16:21,000,377, plus strand): 5'-TGGCTGAGGTTCTGGCAGAGAAATTGATGCAGTTGGGTAGGTACGTATTTTTGGGAAGGT[G>T]GAGAAGGAAGTTGTTGGTGATGGCTGATTTGCCAGTGCCTGTGGGACCCACGAACAGCAT-3'
Protein context (NP_001334815.1, residues 2034-2054): KSAITNNFLL[His2044Asn]LPKNTYLPNC